The following is an entry in ClinVar:

ClinVar aggregate classification (germline): Likely pathogenic (1 of 4 stars; one submission).

Conditions:
Alport syndrome. Also called: Hemorrhagic familial nephritis; Hemorrhagic hereditary nephritis; Congenital hereditary hematuria. Identifiers: Orphanet 63, MedGen C1567741, MONDO:0018965.

gnomAD v4.1: 4 of 1,612,878 alleles (0.00025%); highest among the groups gnomAD compares: Non-Finnish European, 0.00034%; no homozygotes.

Submission:

Natera, Inc.
Classification: Likely pathogenic for Alport syndrome. Last evaluated: 2025-09-04. Review status: criteria provided, single submitter. Criteria: Natera Variant Classification Schema (03/2026). Collection method: clinical testing. Allele origin: germline.
Comment: The c.1978G>A variant in COL4A4 is a missense variant predicted to cause substitution of glycine to serine at amino acid 660. This variant is rare in the general population with a frequency below the threshold expected for the associated phenotype(s). This variant is located in a functionally critical region of the protein. Computational prediction algorithms indicate this variant is likely to affect gene or protein function. Given the available evidence, this variant is classified as Likely Pathogenic.

NM_000092.5(COL4A4):c.1978G>A (p.Gly660Ser)

Gene: COL4A4 (collagen type IV alpha 4 chain; minus strand). Cytogenetic location: 2q36.3.
Variant type: single nucleotide variant.
Coding change: c.1978G>A on transcript NM_000092.5 (MANE Select); coding-DNA position 1978, G replaced by A.
Protein change: p.Gly660Ser; replaces glycine 660 with serine.
Molecular consequence: missense variant.
Genome position (GRCh38, 1-based): chr2:227,077,903, C>T on the plus strand (G>A on the coding strand, the complement: COL4A4 is on the minus strand). VCF-style: chr2-227077903-C-T. GRCh37 (hg19) VCF-style: chr2-227942619-C-T.
Other names: short protein forms G660S.
Identifiers: ClinVar variation 4817303 (VCV004817303.1).
Genomic context (GRCh38, chr2:227,077,903, plus strand): 5'-AACACTTGTACCCCAAAGCTATTGAAATAAATAAAATTTTTTTAAAATTACCTTTCTGAC[C>T]CTTCAAGCCATCAGGGCCCCTCACACCTGGGTGGCCTGGAACTCCTGGGTGGCCTCGCTC-3'
Protein context (NP_000083.3, residues 650-670): PGVRGPDGLK[Gly660Ser]QKGDTISCNV